The following is an entry in ClinVar:

NM_015488.5(PNKD):c.1117G>A (p.Glu373Lys)

Genes: CATIP-AS2 (CATIP antisense RNA 2; minus strand), PNKD (PNKD metallo-beta-lactamase domain containing; plus strand). Cytogenetic location: 2q35.
Variant type: single nucleotide variant.
Coding change: c.1117G>A on transcript NM_015488.5 (MANE Select); coding-DNA position 1117, G replaced by A.
Protein change: p.Glu373Lys; replaces glutamic acid 373 with lysine.
Molecular consequence: missense variant.
Genome position (GRCh38, 1-based): chr2:218,344,940, G>A. VCF-style: chr2-218344940-G-A. GRCh37 (hg19) VCF-style: chr2-219209663-G-A.
Other names: c.1045G>A, p.Glu349Lys (NM_022572.5); short protein forms E349K, E373K.
Identifiers: ClinVar variation 1947638 (VCV001947638.5), dbSNP rs2469474727, ClinGen allele CA350544011.
Genomic context (GRCh38, chr2:218,344,940, plus strand): 5'-GCTCTGGGGCCGGGGCCGGGCCCCACTGGGGATGATGACTACTCCCGGGCCCAGCTCCTG[G>A]AAGAGCTCCGCCGGCTGAAGGATATGCACAAGAGCAAGTGATGCCCCCAGCGCCCCCAGC-3'
Protein context (NP_056303.3, residues 363-383): DDDYSRAQLL[Glu373Lys]ELRRLKDMHK

ClinVar aggregate classification (germline): Uncertain significance (1 of 4 stars; one submission).

Conditions:
Paroxysmal nonkinesigenic dyskinesia. Also called: Paroxysmal non-kinesigenic dyskinesia. Identifiers: Orphanet 98810, MedGen C1869117, MONDO:0700088.

Submission:

Labcorp Genetics (formerly Invitae), Labcorp
Classification: Uncertain significance for Paroxysmal nonkinesigenic dyskinesia. Last evaluated: 2022-01-28. Review status: criteria provided, single submitter. Criteria: Invitae Variant Classification Sherloc (09022015). Collection method: clinical testing. Allele origin: germline.
Comment: In summary, the available evidence is currently insufficient to determine the role of this variant in disease. Therefore, it has been classified as a Variant of Uncertain Significance. Algorithms developed to predict the effect of missense changes on protein structure and function are either unavailable or do not agree on the potential impact of this missense change (SIFT: "Deleterious"; PolyPhen-2: "Benign"; Align-GVGD: "Class C0"). This variant has not been reported in the literature in individuals affected with PNKD-related conditions. This variant is not present in population databases (gnomAD no frequency). This sequence change replaces glutamic acid, which is acidic and polar, with lysine, which is basic and polar, at codon 373 of the PNKD protein (p.Glu373Lys).